The following is an entry in ClinVar:

ClinVar aggregate classification (germline): Uncertain significance (1 of 4 stars; one submission).

Conditions:
Kury-Isidor syndrome (KURIS). Identifiers: MedGen C5676925, MONDO:0859230, OMIM 619762.

Submission:

Victorian Clinical Genetics Services, Murdoch Childrens Research Institute
Classification: Uncertain significance for Kury-Isidor syndrome. Last evaluated: 2025-12-10. Review status: criteria provided, single submitter. Criteria: ACMG Guidelines, 2015. Collection method: clinical testing. Allele origin: germline. Affected: yes.
Comment: This variant is classified as VUS-3B. Evidence in support of pathogenic classification: Variant is absent from gnomAD (v2, v3 and v4). Evidence in support of benign classification: Missense variant predicted to be tolerated by in silico tool(s) or not conserved in placental mammals with a minor amino acid change. Additional information: Variant is predicted to result in a missense amino acid change from Thr to Ala; This variant is heterozygous; This gene is associated with autosomal dominant disease. Missense variants have been reported for Kury-Isidor syndrome (MIM#619762), while all variant types have been reported for tumour predisposition syndrome 1 (MIM#614327) (PMID: 38506155); Alternative amino acid change(s) at the same position are present in gnomAD (highest allele count: v4: 1 heterozygote, 0 homozygote(s)); This variant has no previous evidence of pathogenicity; No published evidence of segregation with disease has been identified for this variant; Functional evidence for this variant is inconclusive. Transfected H226 cells were reported to have no significant difference in colony recovery to wildtype controls, in cells damaged by ionizing radiation (PMID: 24347639); Another missense variant comparable to the one identified in this case has inconclusive previous evidence for pathogenicity. This alternative change (p.(Thr273Asn)) has been reported once as a VUS by a clinical laboratory in ClinVar; Variant is not located in an established domain, motif, hotspot or informative constraint region; Loss of function is a known mechanism of disease in this gene and is associated with tumour predisposition syndrome 1 (MIM#614327). While loss of function and dominant negative have been suggested for Kury-Isidor syndrome (MIM#619762) (PMID: 35051358), further evidence is required. (I) - Variants in this gene are known to have variable expressivity. Kury-Isidor syndrome is known to be widely variable (OMIM). - Inheritance information for this variant is not currently available in this individual.

Literature cited by the submitters: PubMed 24347639; PubMed 35051358; PubMed 38506155.

NM_004656.4(BAP1):c.817A>G (p.Thr273Ala)

Gene: BAP1 (BRCA1 associated deubiquitinase 1; minus strand). Cytogenetic location: 3p21.1.
Variant type: single nucleotide variant.
Coding change: c.817A>G on transcript NM_004656.4 (MANE Select); coding-DNA position 817, A replaced by G.
Protein change: p.Thr273Ala; replaces threonine 273 with alanine.
Molecular consequence: missense variant.
Genome position (GRCh38, 1-based): chr3:52,405,879, T>C on the plus strand (A>G on the coding strand, the complement: BAP1 is on the minus strand). VCF-style: chr3-52405879-T-C. GRCh37 (hg19) VCF-style: chr3-52439895-T-C.
Other names: c.763A>G, p.Thr255Ala (NM_001410772.1); short protein forms T255A, T273A.
Identifiers: ClinVar variation 4819000 (VCV004819000.1).
Genomic context (GRCh38, chr3:52,405,879, plus strand): 5'-GGGACTTGTTGCTGGCTGACTTGGACTCCTCAGGCAGCTGTGACTCTTGAGACTTGTGGG[T>C]CTGAATCAGCTCTGGCTGTGTTACTCTTATCAGCTAACAACAGAATCCAGGGCTCAGAGG-3'
Protein context (NP_004647.1, residues 263-283): IRVTQPELIQ[Thr273Ala]HKSQESQLPE